The following is an entry in ClinVar:

ClinVar aggregate classification (germline): Conflicting classifications of pathogenicity. Review status: criteria provided, conflicting classifications (1 of 4 stars). 8 submissions from 7 submitters: Uncertain significance (2); Benign (2); Likely benign (2). 2 of the submissions do not count toward it. Last evaluated 2026-02-01.

Conditions:
Retinitis pigmentosa (RP). Identifiers: Orphanet 791, MedGen C0035334, MeSH D012174, MONDO:0019200, OMIM 268000. Inheritance: Autosomal dominant, autosomal recessive and X linked inheritance.
Leber congenital amaurosis 3 (LCA3). Also called: SPATA7-Related Retinitis Pigmentosa. Identifiers: MedGen C1858677, MONDO:0011415, OMIM 604232.

Allele frequency attached by ClinVar (database versions not stated): 1000 Genomes Project 30x 0.00078; 1000 Genomes Project 0.00100; gnomAD 0.00176; TOPMed 0.00176; ExAC 0.00245; gnomAD exomes 0.00246 and 0.00311; ESP Exome Variant Server 0.00315.
gnomAD v4.1: 4,763 of 1,614,156 alleles (0.3%); highest among the groups gnomAD compares: Non-Finnish European, 0.35%; 11 homozygotes.

Submissions (8):

Labcorp Genetics (formerly Invitae), Labcorp
Classification: Benign for Leber congenital amaurosis 3. Last evaluated: 2026-02-01. Review status: criteria provided, single submitter. Criteria: Invitae Variant Classification Sherloc (09022015). Collection method: clinical testing. Allele origin: germline.

Blueprint Genetics
Classification: Likely benign. Last evaluated: 2024-11-26. Review status: criteria provided, single submitter. Criteria: ACMG Guidelines, 2015. Collection method: clinical testing. Allele origin: germline.

CeGaT Center for Human Genetics Tuebingen
Classification: Likely benign. Last evaluated: 2024-02-01. Review status: criteria provided, single submitter. Criteria: CeGaT Center For Human Genetics Tuebingen Variant Classification Criteria Version 2. Collection method: clinical testing. Allele origin: germline. Affected: yes. Observed: 1 variant allele.
Comment: SPATA7: BP4, BP7

Illumina Laboratory Services, Illumina
Classification: Uncertain significance for Retinitis pigmentosa. Last evaluated: 2018-01-13. Review status: criteria provided, single submitter. Criteria: ICSL Variant Classification Criteria 13 December 2019. Collection method: clinical testing. Allele origin: germline.

Illumina Laboratory Services, Illumina
Classification: Uncertain significance for Leber congenital amaurosis 3. Last evaluated: 2018-01-13. Review status: criteria provided, single submitter. Criteria: ICSL Variant Classification Criteria 13 December 2019. Collection method: clinical testing. Allele origin: germline.

Eurofins Ntd Llc (ga)
Classification: Benign. Last evaluated: 2016-09-29. Review status: criteria provided, single submitter. Criteria: EGL Classification Definitions 2015. Collection method: clinical testing. Allele origin: germline. Observed: 5 variant alleles, 5 heterozygotes.

Clinical Genetics DNA and cytogenetics Diagnostics Lab, Erasmus MC, Erasmus Medical Center
Classification: Likely benign. Review status: no assertion criteria provided. Collection method: clinical testing. Allele origin: germline. Affected: yes. Study: VKGL Data-share Consensus. Not counted in ClinVar's aggregate classification.

Clinical Genetics, Academic Medical Center
Classification: Likely benign. Review status: no assertion criteria provided. Collection method: clinical testing. Allele origin: germline. Affected: yes. Study: VKGL Data-share Consensus. Not counted in ClinVar's aggregate classification.

NM_018418.5(SPATA7):c.729C>T (p.Arg243=)

Gene: SPATA7 (spermatogenesis associated 7; plus strand). Cytogenetic location: 14q31.3.
Variant type: single nucleotide variant.
Coding change: c.729C>T on transcript NM_018418.5 (MANE Select); coding-DNA position 729, C replaced by T.
Protein change: p.Arg243=; no amino-acid change (arginine 243 retained).
Molecular consequence: synonymous variant.
Genome position (GRCh38, 1-based): chr14:88,426,588, C>T. VCF-style: chr14-88426588-C-T. GRCh37 (hg19) VCF-style: chr14-88892932-C-T.
Other names: c.633C>T, p.Arg211= (NM_001040428.4).
Identifiers: ClinVar variation 95908 (VCV000095908.46), dbSNP rs151338404, ClinGen allele CA223536.